The following is an entry in ClinVar:

ClinVar aggregate classification (germline): Uncertain significance. Review status: criteria provided, multiple submitters, no conflicts (2 of 4 stars). 3 submissions from 3 submitters: Uncertain significance (3). Last evaluated 2025-07-22.

Allele frequency attached by ClinVar (database versions not stated): gnomAD exomes 0.00002 and 0.00006; ExAC 0.00009; TOPMed 0.00012; 1000 Genomes Project 30x 0.00016; gnomAD 0.00016; 1000 Genomes Project 0.00020; ESP Exome Variant Server 0.00023.
gnomAD v4.1: 52 of 1,613,654 alleles (0.0032%); highest among the groups gnomAD compares: African/African-American, 0.051%; no homozygotes.

Submissions (3):

GeneDx
Classification: Uncertain significance. Last evaluated: 2025-07-22. Review status: criteria provided, single submitter. Criteria: GeneDx Variant Classification Process June 2021. Collection method: clinical testing. Allele origin: germline. Affected: yes.
Comment: In silico analysis suggests that this missense variant does not alter protein structure/function; Has not been previously published as pathogenic or benign to our knowledge

Ambry Genetics
Classification: Uncertain significance. Last evaluated: 2023-04-11. Review status: criteria provided, single submitter. Criteria: Ambry Variant Classification Scheme 2023. Collection method: clinical testing. Allele origin: germline.

Athena Diagnostics
Classification: Uncertain significance. Last evaluated: 2019-03-05. Review status: criteria provided, single submitter. Criteria: Athena Diagnostics Criteria. Collection method: clinical testing. Allele origin: germline.

NM_015634.4(KIFBP):c.550A>G (p.Thr184Ala)

Gene: KIFBP (kinesin family binding protein; plus strand). Cytogenetic location: 10q22.1.
Variant type: single nucleotide variant.
Coding change: c.550A>G on transcript NM_015634.4 (MANE Select); coding-DNA position 550, A replaced by G.
Protein change: p.Thr184Ala; replaces threonine 184 with alanine.
Molecular consequence: missense variant.
Genome position (GRCh38, 1-based): chr10:69,005,070, A>G. VCF-style: chr10-69005070-A-G. GRCh37 (hg19) VCF-style: chr10-70764826-A-G.
Other names: short protein forms T184A.
Identifiers: ClinVar variation 804974 (VCV000804974.4), dbSNP rs112642097, ClinGen allele CA5529714.